The following is an entry in ClinVar:

NM_005378.6(MYCN):c.1123T>G (p.Ser375Ala)

Gene: MYCN (MYCN proto-oncogene, bHLH transcription factor; plus strand). Cytogenetic location: 2p24.3.
Variant type: single nucleotide variant.
Coding change: c.1123T>G on transcript NM_005378.6 (MANE Select); coding-DNA position 1123, T replaced by G.
Protein change: p.Ser375Ala; replaces serine 375 with alanine.
Molecular consequence: missense variant. On other transcripts: 3 prime UTR variant (1).
Genome position (GRCh38, 1-based): chr2:15,945,825, T>G. VCF-style: chr2-15945825-T-G. GRCh37 (hg19) VCF-style: chr2-16085947-T-G.
Other names: c.1123T>G, p.Ser375Ala (NM_001293228.2); c.490T>G, p.Ser164Ala (NM_001293231.2); c.*1058T>G (NM_001293233.2); short protein forms S164A, S375A.
Identifiers: ClinVar variation 3030934 (VCV003030934.2), dbSNP rs2527937975, ClinGen allele CA345932320.
Genomic context (GRCh38, chr2:15,945,825, plus strand): 5'-TCCCCACGTCCGCTCAAGAGTGTCATCCCCCCAAAGGCTAAGAGCTTGAGCCCCCGAAAC[T>G]CTGACTCGGAGGACAGTGAGCGTCGCAGAAACCACAACATCCTGGAGCGCCAGCGCCGCA-3'
Protein context (NP_005369.2, residues 365-385): PKAKSLSPRN[Ser375Ala]DSEDSERRRN

ClinVar aggregate classification (germline): Uncertain significance (0 of 4 stars; one submission).

Conditions:
MYCN-related disorder. Also called: MYCN-related condition.

Submission:

PreventionGenetics, part of Exact Sciences
Classification: Uncertain significance for MYCN-related condition. Last evaluated: 2023-11-21. Review status: no assertion criteria provided. Collection method: clinical testing. Allele origin: germline.
Comment: The MYCN c.1123T>G variant is predicted to result in the amino acid substitution p.Ser375Ala. To our knowledge, this variant has not been reported in the literature or in a large population database, indicating this variant is rare. At this time, the clinical significance of this variant is uncertain due to the absence of conclusive functional and genetic evidence.